The following is an entry in ClinVar:

NM_000553.6(WRN):c.1513A>C (p.Thr505Pro)

Gene: WRN (WRN RecQ like helicase; plus strand). Cytogenetic location: 8p12.
Variant type: single nucleotide variant.
Coding change: c.1513A>C on transcript NM_000553.6 (MANE Select); coding-DNA position 1513, A replaced by C.
Protein change: p.Thr505Pro; replaces threonine 505 with proline.
Molecular consequence: missense variant.
Genome position (GRCh38, 1-based): chr8:31,087,857, A>C. VCF-style: chr8-31087857-A-C. GRCh37 (hg19) VCF-style: chr8-30945373-A-C.
Other names: short protein forms T505P.
Identifiers: ClinVar variation 238122 (VCV000238122.5), dbSNP rs777679266, ClinGen allele CA4704389.

ClinVar aggregate classification (germline): Uncertain significance (1 of 4 stars; one submission).

Conditions:
Werner syndrome (WRN). Identifiers: Orphanet 902, MedGen C0043119, MONDO:0010196, OMIM 277700.

Allele frequency attached by ClinVar (database versions not stated): gnomAD exomes below 0.00001; ExAC 0.00001; TOPMed 0.00001; gnomAD 0.00006.
gnomAD v4.1: 4 of 1,613,662 alleles (0.00025%); highest among the groups gnomAD compares: African/African-American, 0.0053%; no homozygotes.

Submission:

Labcorp Genetics (formerly Invitae), Labcorp
Classification: Uncertain significance for Werner syndrome. Last evaluated: 2023-07-10. Review status: criteria provided, single submitter. Criteria: Invitae Variant Classification Sherloc (09022015). Collection method: clinical testing. Allele origin: germline.
Comment: Algorithms developed to predict the effect of missense changes on protein structure and function output the following: SIFT: "Not Available"; PolyPhen-2: "Benign"; Align-GVGD: "Not Available". The proline amino acid residue is found in multiple mammalian species, which suggests that this missense change does not adversely affect protein function. ClinVar contains an entry for this variant (Variation ID: 238122). This variant has not been reported in the literature in individuals affected with WRN-related conditions. This variant is present in population databases (rs777679266, gnomAD 0.01%). This sequence change replaces threonine, which is neutral and polar, with proline, which is neutral and non-polar, at codon 505 of the WRN protein (p.Thr505Pro). In summary, the available evidence is currently insufficient to determine the role of this variant in disease. Therefore, it has been classified as a Variant of Uncertain Significance.